The following is an entry in ClinVar:

NM_005654.6(NR2F1):c.531C>T (p.Asp177=)

Gene: NR2F1 (nuclear receptor subfamily 2 group F member 1; plus strand). Cytogenetic location: 5q15.
Variant type: single nucleotide variant.
Coding change: c.531C>T on transcript NM_005654.6 (MANE Select); coding-DNA position 531, C replaced by T.
Protein change: p.Asp177=; no amino-acid change (aspartic acid 177 retained).
Molecular consequence: synonymous variant.
Genome position (GRCh38, 1-based): chr5:93,587,984, C>T. VCF-style: chr5-93587984-C-T. GRCh37 (hg19) VCF-style: chr5-92923690-C-T.
Identifiers: ClinVar variation 388773 (VCV000388773.1), dbSNP rs964131641, ClinGen allele CA16605000.
Genomic context (GRCh38, chr5:93,587,984, plus strand): 5'-GCGAGGAAGAATGCCTCCAACCCAGCCCAATCCAGGCCAGTACGCACTCACCAACGGGGA[C>T]CCCCTCAACGGCCACTGCTACCTGTCCGGCTACATCTCGCTGCTGCTGCGCGCCGAGCCC-3'
Protein context (NP_005645.1, residues 167-187): NPGQYALTNG[Asp177=]PLNGHCYLSG

ClinVar aggregate classification (germline): Likely benign (1 of 4 stars; one submission).

Allele frequency attached by ClinVar (database versions not stated): gnomAD exomes below 0.00001 and 0.00002; gnomAD 0.00001 and 0.00003; TOPMed 0.00002.

Submission:

GeneDx
Classification: Likely benign. Last evaluated: 2016-08-18. Review status: criteria provided, single submitter. Criteria: GeneDx Variant Classification (06012015). Collection method: clinical testing. Allele origin: germline. Affected: yes.
Comment: This variant is considered likely benign or benign based on one or more of the following criteria: it is a conservative change, it occurs at a poorly conserved position in the protein, it is predicted to be benign by multiple in silico algorithms, and/or has population frequency not consistent with disease.